The following is an entry in ClinVar:

NM_002485.5(NBN):c.186A>C (p.Glu62Asp)

Gene: NBN (nibrin; minus strand). Cytogenetic location: 8q21.3.
Variant type: single nucleotide variant.
Coding change: c.186A>C on transcript NM_002485.5 (MANE Select); coding-DNA position 186, A replaced by C.
Protein change: p.Glu62Asp; replaces glutamic acid 62 with aspartic acid.
Molecular consequence: missense variant. On other transcripts: 5 prime UTR variant (1).
Genome position (GRCh38, 1-based): chr8:89,981,509, T>G on the plus strand (A>C on the coding strand, the complement: NBN is on the minus strand). VCF-style: chr8-89981509-T-G. GRCh37 (hg19) VCF-style: chr8-90993737-T-G.
Other names: c.-61A>C (NM_001024688.3); short protein forms E62D.
Identifiers: ClinVar variation 663236 (VCV000663236.10), dbSNP rs1586109110, ClinGen allele CA371662612.

ClinVar aggregate classification (germline): Uncertain significance (1 of 4 stars; one submission).

Conditions:
Microcephaly, normal intelligence and immunodeficiency (NBS). Also called: Microcephaly with normal intelligence immunodeficiency and lymphoreticular malignancies; Nonsyndromal microcephaly autosomal recessive with normal intelligence; Seemanova syndrome 2; Immunodeficiency, microcephaly with normal intelligence; SEEMANOVA SYNDROME II; Ataxia telangiectasia variant V1. Identifiers: Orphanet 647, MedGen C0398791, MONDO:0009623, OMIM 251260.

Submission:

Labcorp Genetics (formerly Invitae), Labcorp
Classification: Uncertain significance for Microcephaly, normal intelligence and immunodeficiency. Last evaluated: 2019-07-03. Review status: criteria provided, single submitter. Criteria: Invitae Variant Classification Sherloc (09022015). Collection method: clinical testing. Allele origin: germline.
Comment: This sequence change replaces glutamic acid with aspartic acid at codon 62 of the NBN protein (p.Glu62Asp). The glutamic acid residue is weakly conserved and there is a small physicochemical difference between glutamic acid and aspartic acid. This variant is not present in population databases (ExAC no frequency). This variant has not been reported in the literature in individuals with NBN-related disease. Algorithms developed to predict the effect of missense changes on protein structure and function (SIFT, PolyPhen-2, Align-GVGD) all suggest that this variant is likely to be tolerated, but these predictions have not been confirmed by published functional studies and their clinical significance is uncertain. In summary, the available evidence is currently insufficient to determine the role of this variant in disease. Therefore, it has been classified as a Variant of Uncertain Significance.